The following is an entry in ClinVar:

ClinVar aggregate classification (germline): Uncertain significance. Review status: criteria provided, multiple submitters, no conflicts (2 of 4 stars). 2 submissions from 2 submitters: Uncertain significance (2). Last evaluated 2024-10-28.

Conditions:
Familial hemophagocytic lymphohistiocytosis 3 (FHL3). Also called: UNC13D-Related Familial Hemophagocytic Lymphohistiocytosis (UNC13D-fHLH). Identifiers: Orphanet 540, MedGen C1837174, MONDO:0012146, OMIM 608898.

Allele frequency attached by ClinVar (database versions not stated): gnomAD 0.00003 and 0.00004; ExAC 0.00007; TOPMed 0.00008.

Submissions (2):

Labcorp Genetics (formerly Invitae), Labcorp
Classification: Uncertain significance for Familial hemophagocytic lymphohistiocytosis 3. Last evaluated: 2024-10-28. Review status: criteria provided, single submitter. Criteria: Invitae Variant Classification Sherloc (09022015). Collection method: clinical testing. Allele origin: germline.
Comment: This sequence change replaces arginine, which is basic and polar, with histidine, which is basic and polar, at codon 227 of the UNC13D protein (p.Arg227His). This variant is present in population databases (rs751394792, gnomAD 0.05%). This variant has not been reported in the literature in individuals affected with UNC13D-related conditions. ClinVar contains an entry for this variant (Variation ID: 1444019). An algorithm developed to predict the effect of missense changes on protein structure and function (PolyPhen-2) suggests that this variant is likely to be disruptive. In summary, the available evidence is currently insufficient to determine the role of this variant in disease. Therefore, it has been classified as a Variant of Uncertain Significance.

Blueprint Genetics
Classification: Uncertain significance. Last evaluated: 2023-12-15. Review status: criteria provided, single submitter. Criteria: ACMG Guidelines, 2015. Collection method: clinical testing. Allele origin: germline.

NM_199242.3(UNC13D):c.680G>A (p.Arg227His)

Gene: UNC13D (unc-13 homolog D; minus strand). Cytogenetic location: 17q25.1.
Variant type: single nucleotide variant.
Coding change: c.680G>A on transcript NM_199242.3 (MANE Select); coding-DNA position 680, G replaced by A.
Protein change: p.Arg227His; replaces arginine 227 with histidine.
Molecular consequence: missense variant.
Genome position (GRCh38, 1-based): chr17:75,840,765, C>T on the plus strand (G>A on the coding strand, the complement: UNC13D is on the minus strand). VCF-style: chr17-75840765-C-T. GRCh37 (hg19) VCF-style: chr17-73836846-C-T.
Other names: short protein forms R227H.
Identifiers: ClinVar variation 1444019 (VCV001444019.5), dbSNP rs751394792, ClinGen allele CA8773355.